The following is an entry in ClinVar:

NM_006767.4(LZTR1):c.1449+2T>C

Gene: LZTR1 (leucine zipper like post translational regulator 1; plus strand). Cytogenetic location: 22q11.21.
Variant type: single nucleotide variant.
Coding change: c.1449+2T>C on transcript NM_006767.4 (MANE Select); the canonical splice donor site of the intron after coding-DNA position 1449, T replaced by C.
Molecular consequence: splice donor variant.
Genome position (GRCh38, 1-based): chr22:20,994,021, T>C. VCF-style: chr22-20994021-T-C. GRCh37 (hg19) VCF-style: chr22-21348310-T-C.
Identifiers: ClinVar variation 3238082 (VCV003238082.2), dbSNP rs1036772752.
Genomic context (GRCh38, chr22:20,994,021, plus strand): 5'-CAGCGCGGAGCCGCTGGCTTCGCAGGAAGATCACGCAGGCGCGGGAGAGGCTGGCCCAGG[T>C]GAGGTGCCTAACCGCCCTGCCCTGACCTGGCAGCCATGCCTGGTGTCCACTGGGGTGTCC-3'

ClinVar aggregate classification (germline): Likely pathogenic. Review status: criteria provided, multiple submitters, no conflicts (2 of 4 stars). 2 submissions from 2 submitters: Likely pathogenic (2). Last evaluated 2025-12-09.

Conditions:
Hereditary cancer-predisposing syndrome. Also called: Neoplastic Syndromes, Hereditary; Tumor predisposition; Hereditary neoplastic syndrome; Hereditary Cancer Syndrome. Identifiers: Orphanet 140162, MedGen C0027672, MeSH D009386, MONDO:0015356.
Cardiovascular phenotype. Identifiers: MedGen CN230736.

Submissions (2):

Labcorp Genetics (formerly Invitae), Labcorp
Classification: Likely pathogenic. Last evaluated: 2025-12-09. Review status: criteria provided, single submitter. Criteria: Invitae Variant Classification Sherloc (09022015). Collection method: clinical testing. Allele origin: germline.
Comment: This sequence change affects a donor splice site in intron 13 of the LZTR1 gene. It is expected to disrupt RNA splicing. Variants that disrupt the donor or acceptor splice site typically lead to a loss of protein function (PMID: 16199547), and loss-of-function variants in LZTR1 are known to be pathogenic (PMID: 24362817, 25335493, 25480913, 25795793, 29469822, 30368668, 30442762, 30442766, 30481304, 30859559). This variant is not present in population databases (gnomAD no frequency). This variant has not been reported in the literature in individuals affected with LZTR1-related conditions. ClinVar contains an entry for this variant (Variation ID: 3238082). Algorithms developed to predict the effect of sequence changes on RNA splicing suggest that this variant may disrupt the consensus splice site. In summary, the currently available evidence indicates that the variant is pathogenic, but additional data are needed to prove that conclusively. Therefore, this variant has been classified as Likely Pathogenic.

Ambry Genetics
Classification: Likely pathogenic for Cardiovascular phenotype; Hereditary cancer-predisposing syndrome. Last evaluated: 2023-11-27. Review status: criteria provided, single submitter. Criteria: Ambry Variant Classification Scheme 2023. Collection method: clinical testing. Allele origin: germline.
Comment: The c.1449+2T>C intronic variant results from a T to C substitution two nucleotides after coding exon 13 in the LZTR1 gene. Alterations that disrupt the canonical splice site are expected to result in aberrant splicing. In silico splice site analysis predicts that this alteration will weaken the native splice donor site and may result in the creation or strengthening of a novel splice donor site. RNA studies have demonstrated that this alteration results in abnormal splicing in the set of samples tested (Ambry internal data). The resulting transcript is predicted to be in-frame and is not expected to trigger nonsense-mediated mRNA decay. Although the exact functional effect of the altered amino acid sequence is unknown, the impacted region is critical for protein function (Ambry internal data). This variant is considered to be rare based on population cohorts in the Genome Aggregation Database (gnomAD). This nucleotide position is highly conserved in available vertebrate species. Based on the supporting evidence, this variant is likely pathogenic for an increased risk of LZTR1-related schwannomatosis (SWN) and would be expected to cause autosomal recessive Noonan syndrome when present along with a second pathogenic or likely pathogenic variant on the other allele.

Literature cited by the submitters: PubMed 16199547 (cited by Labcorp Genetics (formerly Invitae), Labcorp); PubMed 24362817 (cited by Labcorp Genetics (formerly Invitae), Labcorp); PubMed 25335493 (cited by Labcorp Genetics (formerly Invitae), Labcorp); PubMed 25480913 (cited by Labcorp Genetics (formerly Invitae), Labcorp); PubMed 25795793 (cited by Labcorp Genetics (formerly Invitae), Labcorp); PubMed 29469822 (cited by Labcorp Genetics (formerly Invitae), Labcorp); PubMed 30368668 (cited by Labcorp Genetics (formerly Invitae), Labcorp); PubMed 30442762 (cited by Labcorp Genetics (formerly Invitae), Labcorp); PubMed 30442766 (cited by Labcorp Genetics (formerly Invitae), Labcorp); PubMed 30481304 (cited by Labcorp Genetics (formerly Invitae), Labcorp); PubMed 30859559 (cited by Labcorp Genetics (formerly Invitae), Labcorp).